The following is an entry in ClinVar:

ClinVar aggregate classification (germline): Pathogenic. Review status: criteria provided, multiple submitters, no conflicts (2 of 4 stars). 2 submissions from 2 submitters: Pathogenic (2). Last evaluated 2021-04-06.

Conditions:
Early-infantile DEE. Also called: Early infantile epileptic encephalopathy; Ohtahara syndrome; Early infantile epileptic encephalopathy with suppression bursts. Identifiers: Orphanet 1934, MedGen C0393706, MONDO:0800491.
Inborn genetic diseases. Identifiers: MedGen C0950123, MeSH D030342.

Submissions (2):

Labcorp Genetics (formerly Invitae), Labcorp
Classification: Pathogenic for Early-infantile DEE. Last evaluated: 2021-04-06. Review status: criteria provided, single submitter. Criteria: Invitae Variant Classification Sherloc (09022015). Collection method: clinical testing. Allele origin: germline.
Comment: For these reasons, this variant has been classified as Pathogenic. This variant disrupts the C-terminus of the SCN1A protein. Other variant(s) that disrupt this region (p.Arg1912*) have been determined to be pathogenic (PMID: 14738421, 20522430 23195492, Invitae). This suggests that variants that disrupt this region of the protein are likely to be causative of disease. This variant has not been reported in the literature in individuals with SCN1A-related conditions. This variant is not present in population databases (ExAC no frequency). This sequence change creates a premature translational stop signal (p.Lys1827*) in the SCN1A gene. While this is not anticipated to result in nonsense mediated decay, it is expected to disrupt the last 183 amino acid(s) of the SCN1A protein.

Ambry Genetics
Classification: Pathogenic for Inborn genetic diseases. Last evaluated: 2018-12-03. Review status: criteria provided, single submitter. Criteria: Ambry Variant Classification Scheme 2023. Collection method: clinical testing. Allele origin: germline.
Comment: The p.K1827* pathogenic mutation (also known as c.5479A>T), located in coding exon 26 of the SCN1A gene, results from an A to T substitution at nucleotide position 5479. This changes the amino acid from a lysine to a stop codon within coding exon 26. Truncating alterations in the 3' terminus of the SCN1A gene have been reported in individuals with epilepsy, including severe myoclonic epilepsy of infancy (Claes L et al. Am. J. Hum. Genet., 2001 Jun;68:1327-32; Mulley JC et al. Hum. Mutat., 2005 Jun;25:535-42; Kearney JA et al. Pediatr. Neurol., 2006 Feb;34:116-20). In addition to the clinical data provided in the literature, this alteration is expected to result in loss of function by premature protein truncation or nonsense-mediated mRNA decay. As such, this alteration is interpreted as a disease-causing mutation.

Literature cited by the submitters: PubMed 14738421 (cited by Labcorp Genetics (formerly Invitae), Labcorp); PubMed 20522430 (cited by Labcorp Genetics (formerly Invitae), Labcorp); PubMed 23195492 (cited by Labcorp Genetics (formerly Invitae), Labcorp); PubMed 11359211 (cited by Ambry Genetics); PubMed 15880351 (cited by Ambry Genetics); PubMed 16458823 (cited by Ambry Genetics).

NM_001165963.4(SCN1A):c.5479A>T (p.Lys1827Ter)

Genes: SCN1A (sodium voltage-gated channel alpha subunit 1; minus strand), LOC102724058 (uncharacterized LOC102724058; plus strand). Cytogenetic location: 2q24.3.
Variant type: single nucleotide variant.
Coding change: c.5479A>T on transcript NM_001165963.4 (MANE Select); coding-DNA position 5479, A replaced by T.
Protein change: p.Lys1827Ter; replaces lysine 1827 with a stop codon.
Molecular consequence: nonsense. On other transcripts: non-coding transcript variant (1).
Genome position (GRCh38, 1-based): chr2:165,991,796, T>A on the plus strand (A>T on the coding strand, the complement: SCN1A is on the minus strand). VCF-style: chr2-165991796-T-A. GRCh37 (hg19) VCF-style: chr2-166848306-T-A.
Other names: c.5395A>T, p.Lys1799Ter (NM_001165964.3, NM_001353957.2, NM_001353958.2); c.5479A>T, p.Lys1827Ter (NM_001202435.3, NM_001353948.2); c.5446A>T, p.Lys1816Ter (NM_001353949.2, NM_001353950.2, NM_001353951.2 and 2 more transcripts); c.5443A>T, p.Lys1815Ter (NM_001353954.2, NM_001353955.2); c.5392A>T, p.Lys1798Ter (NM_001353960.2); c.3037A>T, p.Lys1013Ter (NM_001353961.2); short protein forms K1798*, K1816*, K1827*, K1815*, K1013*, K1799*.
Identifiers: ClinVar variation 1453512 (VCV001453512.9), dbSNP rs1553520105, ClinGen allele CA349065878.